The following is an entry in ClinVar:

NM_016366.3(CABP2):c.253G>T (p.Val85Phe)

Gene: CABP2 (calcium binding protein 2; minus strand). Cytogenetic location: 11q13.2.
Variant type: single nucleotide variant.
Coding change: c.253G>T on transcript NM_016366.3 (MANE Select); coding-DNA position 253, G replaced by T.
Protein change: p.Val85Phe; replaces valine 85 with phenylalanine.
Molecular consequence: missense variant.
Genome position (GRCh38, 1-based): chr11:67,521,151, C>A on the plus strand (G>T on the coding strand, the complement: CABP2 is on the minus strand). VCF-style: chr11-67521151-C-A. GRCh37 (hg19) VCF-style: chr11-67288622-C-A.
Other names: c.271G>T, p.Val91Phe (NM_001318496.2); short protein forms V85F, V91F.
Identifiers: ClinVar variation 3342672 (VCV003342672.1).
Genomic context (GRCh38, chr11:67,521,151, plus strand): 5'-CACCCAGCTCCCGGCAGCCAATGTAGCCGTCCCGGTCTCGGTCAAACTCCTGGAAGGCGA[C>A]CTGCAGCTCTGCCAGGCAGGGTGGGGTCAGTCCTTCCCCCACAACCCCCTGATCCTGGCC-3'
Protein context (NP_057450.2, residues 75-95): LRPEEIEELQ[Val85Phe]AFQEFDRDRD

ClinVar aggregate classification (germline): Uncertain significance (1 of 4 stars; one submission).

gnomAD v4.1: 25 of 1,612,436 alleles (0.0016%); highest among the groups gnomAD compares: South Asian, 0.022%; 2 homozygotes.

Submission:

GeneDx
Classification: Uncertain significance. Last evaluated: 2024-01-17. Review status: criteria provided, single submitter. Criteria: GeneDx Variant Classification Process June 2021. Collection method: clinical testing. Allele origin: germline. Affected: yes.
Comment: In silico analysis supports that this missense variant does not alter protein structure/function; In silico analysis suggests this variant may impact gene splicing; in the absence of RNA/functional studies the actual effect of this sequence change is unknown; Has not been previously published as pathogenic or benign to our knowledge